The following is an entry in ClinVar:

ClinVar aggregate classification (germline): Uncertain significance (1 of 4 stars; one submission).

Allele frequency attached by ClinVar (database versions not stated): gnomAD exomes below 0.00001; ExAC 0.00001.
gnomAD v4.1: 1 of 1,614,098 alleles (0.000062%); highest among the groups gnomAD compares: Non-Finnish European, 0.000085%; no homozygotes.

Submission:

Labcorp Genetics (formerly Invitae), Labcorp
Classification: Uncertain significance. Last evaluated: 2022-11-22. Review status: criteria provided, single submitter. Criteria: Invitae Variant Classification Sherloc (09022015). Collection method: clinical testing. Allele origin: germline.
Comment: This variant has not been reported in the literature in individuals affected with TAB2-related conditions. This variant is present in population databases (rs748398441, gnomAD 0.0009%). This sequence change replaces aspartic acid, which is acidic and polar, with glycine, which is neutral and non-polar, at codon 659 of the TAB2 protein (p.Asp659Gly). ClinVar contains an entry for this variant (Variation ID: 1501048). In summary, the available evidence is currently insufficient to determine the role of this variant in disease. Therefore, it has been classified as a Variant of Uncertain Significance. Advanced modeling of protein sequence and biophysical properties (such as structural, functional, and spatial information, amino acid conservation, physicochemical variation, residue mobility, and thermodynamic stability) performed at Invitae indicates that this missense variant is not expected to disrupt TAB2 protein function.

NM_001292034.3(TAB2):c.1976A>G (p.Asp659Gly)

Gene: TAB2 (TGF-beta activated kinase 1 (MAP3K7) binding protein 2; plus strand). Cytogenetic location: 6q25.1.
Variant type: single nucleotide variant.
Coding change: c.1976A>G on transcript NM_001292034.3 (MANE Select); coding-DNA position 1976, A replaced by G.
Protein change: p.Asp659Gly; replaces aspartic acid 659 with glycine.
Molecular consequence: missense variant.
Genome position (GRCh38, 1-based): chr6:149,409,613, A>G. VCF-style: chr6-149409613-A-G. GRCh37 (hg19) VCF-style: chr6-149730749-A-G.
Other names: c.1880A>G, p.Asp627Gly (NM_001292035.3); c.1976A>G, p.Asp659Gly (NM_001369506.1, NM_015093.6); short protein forms D627G, D659G.
Identifiers: ClinVar variation 1501048 (VCV001501048.8), dbSNP rs748398441, ClinGen allele CA4041780.